The following is an entry in ClinVar:

NM_000059.4(BRCA2):c.1205del (p.Gly402fs)

Gene: BRCA2 (BRCA2 DNA repair associated; plus strand). Cytogenetic location: 13q13.1.
Variant type: Deletion.
Coding change: c.1205del on transcript NM_000059.4 (MANE Select); coding-DNA position 1205, one base deleted (G; older notation c.1205delG).
Protein change: p.Gly402fs; shifts the reading frame from glycine 402.
Molecular consequence: frameshift variant.
Genome position (GRCh38, 1-based): chr13:32,332,683, G deleted; the last of 2 consecutive G bases (chr13:32,332,682-32,332,683); deleting either gives the same sequence. VCF-style (leftmost placement, unchanged base first): chr13-32332681-AG-A. GRCh37 (hg19) VCF-style: chr13-32906818-AG-A.
Other names: 1433delG; c.1205delG (NM_000059.3).
Identifiers: ClinVar variation 37730 (VCV000037730.30), dbSNP rs397507265, ClinGen allele CA011169.

ClinVar aggregate classification (germline): Pathogenic. Review status: reviewed by expert panel (3 of 4 stars). 14 submissions from 14 submitters: Pathogenic (1). 13 of the submissions do not count toward it. Last evaluated 2016-09-08.

Conditions:
BRCA2-related disorder. Also called: BRCA2-related condition; BRCA2-related disorders. Identifiers: MedGen CN239275.
Hereditary cancer-predisposing syndrome. Also called: Tumor predisposition; Neoplastic Syndromes, Hereditary; Hereditary neoplastic syndrome; Hereditary Cancer Syndrome. Identifiers: Orphanet 140162, MedGen C0027672, MeSH D009386, MONDO:0015356.
Hereditary breast ovarian cancer syndrome. Also called: Hereditary breast and ovarian cancer; Hereditary breast and ovarian cancer syndrome (HBOC); Hereditary breast and/or ovarian cancer syndrome; Breast and ovarian cancer; Hereditary breast and ovarian cancer syndrome; BRCA1- and BRCA2-Associated Hereditary Breast and Ovarian Cancer. Identifiers: Orphanet 145, MedGen C0677776, MeSH D061325, MONDO:0003582. Disease mechanism: loss of function.
Breast-ovarian cancer, familial, susceptibility to, 2 (BROVCA2). Also called: BRCA2 Hereditary Breast and Ovarian Cancer. Identifiers: Orphanet 145, MedGen C2675520, MONDO:0012933, OMIM 612555. Disease mechanism: loss of function.
Familial cancer of breast. Also called: Hereditary breast cancer; BREAST CANCER, FAMILIAL; hereditary breast carcinoma. Identifiers: Orphanet 227535, MedGen C0346153, MONDO:0016419, OMIM 114480. Disease mechanism: loss of function.

Submissions (14):

Evidence-based Network for the Interpretation of Germline Mutant Alleles (ENIGMA)
Classification: Pathogenic for Breast-ovarian cancer, familial, susceptibility to, 2. Last evaluated: 2016-09-08. Review status: reviewed by expert panel. Criteria: ENIGMA BRCA1/2 Classification Criteria (2015). Collection method: curation. Allele origin: germline.
Comment: Variant allele predicted to encode a truncated non-functional protein.

Color Diagnostics, LLC DBA Color Health
Classification: Pathogenic for Hereditary cancer-predisposing syndrome. Last evaluated: 2025-01-07. Review status: criteria provided, single submitter. Criteria: ACMG Guidelines, 2015. Collection method: clinical testing. Allele origin: germline. Not counted in ClinVar's aggregate classification.
Comment: This variant deletes 1 nucleotide in exon 10 of the BRCA2 gene, creating a frameshift and premature translation stop signal. This variant is expected to result in an absent or non-functional protein product. This variant has been reported in individuals affected with breast and/or ovarian cancer (PMID: 16234499, 25428789). This variant has been identified in 1/31404 chromosomes in the general population by the Genome Aggregation Database (gnomAD). Loss of BRCA2 function is a known mechanism of disease. Based on the available evidence, this variant is classified as Pathogenic.

Labcorp Genetics (formerly Invitae), Labcorp
Classification: Pathogenic for Hereditary breast ovarian cancer syndrome. Last evaluated: 2024-11-15. Review status: criteria provided, single submitter. Criteria: Invitae Variant Classification Sherloc (09022015). Collection method: clinical testing. Allele origin: germline. Not counted in ClinVar's aggregate classification.
Comment: This sequence change creates a premature translational stop signal (p.Gly402Valfs*2) in the BRCA2 gene. It is expected to result in an absent or disrupted protein product. Loss-of-function variants in BRCA2 are known to be pathogenic (PMID: 20104584). This variant is present in population databases (rs397507265, gnomAD 0.01%). This premature translational stop signal has been observed in individual(s) with breast and/or ovarian cancer (PMID: 16234499, 25428789, 26250392). This variant is also known as 1433delG. ClinVar contains an entry for this variant (Variation ID: 37730). For these reasons, this variant has been classified as Pathogenic.

GeneDx
Classification: Pathogenic. Last evaluated: 2024-03-28. Review status: criteria provided, single submitter. Criteria: GeneDx Variant Classification Process June 2021. Collection method: clinical testing. Allele origin: germline. Affected: yes. Not counted in ClinVar's aggregate classification.
Comment: Frameshift variant predicted to result in protein truncation or nonsense mediated decay in a gene for which loss of function is a known mechanism of disease; Truncating variants in this gene are considered pathogenic by a well-established clinical consortium and/or database; Observed in individuals with personal and/or family history consistent with pathogenic variants in this gene (PMID: 16234499, 25428789, 26250392, 32832836); Not observed at significant frequency in large population cohorts (gnomAD); Also known as 1433delG; This variant is associated with the following publications: (PMID: 25428789, 26250392, 16234499, 26295337, 26681312, 30720243, 31447099, 32832836)

Ambry Genetics
Classification: Pathogenic for Hereditary cancer-predisposing syndrome. Last evaluated: 2022-12-23. Review status: criteria provided, single submitter. Criteria: Ambry Variant Classification Scheme 2023. Collection method: clinical testing. Allele origin: germline. Not counted in ClinVar's aggregate classification.
Comment: The c.1205delG pathogenic mutation, located in coding exon 9 of the BRCA2 gene, results from a deletion of one nucleotide at nucleotide position 1205, causing a translational frameshift with a predicted alternate stop codon (p.G402Vfs*2). This mutation has been reported in high-risk African-American breast cancer patients (Nanda R et al. JAMA. 2005; 294:1925-33; Churpek JE et al. Breast Cancer Res Treat. 2015 Jan;149(1):31-9). This alteration was identified in 1/10030 consecutive patients referred for evaluation by an NGS hereditary cancer panel (Susswein LR et al. Genet. Med., 2016 08;18:823-32). Of note, this mutation is also designated as 1433delG in published literature. In addition to the clinical data presented in the literature, this alteration is expected to result in loss of function by premature protein truncation or nonsense-mediated mRNA decay. As such, this alteration is interpreted as a disease-causing mutation.

Baylor Genetics
Classification: Pathogenic for Familial cancer of breast. Last evaluated: 2022-03-15. Review status: criteria provided, single submitter. Criteria: ACMG Guidelines, 2015. Collection method: clinical testing. Allele origin: unknown. Not counted in ClinVar's aggregate classification.

Quest Diagnostics Nichols Institute San Juan Capistrano
Classification: Pathogenic. Last evaluated: 2019-12-31. Review status: criteria provided, single submitter. Criteria: Quest Diagnostics criteria. Collection method: clinical testing. Allele origin: unknown. Not counted in ClinVar's aggregate classification.
Comment: The variant results in a shift of the reading frame, and is therefore predicted to result in the loss of a functional protein. Found in at least one patient with expected phenotype for this gene, and found in general population data at a frequency that is consistent with pathogenicity.

Human Genome Sequencing Center Clinical Lab, Baylor College of Medicine
Classification: Pathogenic for Familial breast-ovarian cancer 2. Last evaluated: 2018-10-08. Review status: criteria provided, single submitter. Criteria: ACMG Guidelines, 2015. Collection method: clinical testing. Allele origin: germline. Not counted in ClinVar's aggregate classification.
Comment: The c.1205delG (p.Gly402Valfs*2) variant in the BRCA2 gene is predicted to introduce a premature translation termination codon. This variant has been reported in one patient with triple-negative breast cancer (PMID 25428789), one patient with high likelihood of being a mutation carrier predicted by BRCAPRO statistical modeling (PMID 16234499), and multiple individuals who were referred for clinical testing in other clinical labs. This variant is not observed in gnomAD. Therefore, the c.1205delG (p.Gly402Valfs*2) variant in the BRCA2 gene is classified as pathogenic.

Laboratory for Molecular Medicine, Mass General Brigham Personalized Medicine
Classification: Pathogenic for Hereditary breast ovarian cancer syndrome. Last evaluated: 2018-07-13. Review status: criteria provided, single submitter. Criteria: LMM Criteria. Collection method: clinical testing. Allele origin: germline. Inheritance: Autosomal dominant inheritance. Observed: 1 variant allele. Not counted in ClinVar's aggregate classification.
Comment: The p.Gly402ValfsX2 variant in BRCA2 has been reported in at least 3 African Ame rican individuals with a personal or family history of breast and/or ovarian can cer (Nanda 2005, Lynce 2015, Churpek 2015). This variant has been identified in 1/8734 African chromosomes by the Genome Aggregation Database (gnomAD). This variant is predicted to cause a frameshift, which alters the protein?s amino acid sequence beginning at position 402 and leads to a premature termination codon 2 amino acids downstream. This alteration is then predicted to lead to a truncated or absent protein. Heterozygous loss of functi on of the BRCA2 gene is an established disease mechanism in hereditary breast an d ovarian cancer (HBOC). In addition, this variant was classified as Pathogenic on Sept 8, 2016 by the ClinGen-approved ENIGMA expert panel (ClinVar SCV00030040 6.2). In summary, this variant meets criteria to be classified as pathogenic for HBOC in an autosomal dominant manner based upon the presence in probands and th e predicted impact on the protein. ACMG/AMP Criteria applied: PVS1, PM2, PS4_Sup porting.

Women's Health and Genetics/Laboratory Corporation of America, LabCorp
Classification: Pathogenic for Hereditary breast ovarian cancer syndrome. Last evaluated: 2017-01-19. Review status: criteria provided, single submitter. Criteria: LabCorp Variant Classification Summary - May 2015. Collection method: clinical testing. Allele origin: germline. Not counted in ClinVar's aggregate classification.
Comment: Variant summary: The BRCA2 c.1205delG (p.Gly402Valfs) variant results in a premature termination codon, predicted to cause a truncated or absent BRCA2 protein due to nonsense mediated decay, which are commonly known mechanisms for disease. Truncations downstream of this position have been classified as pathogenic by our laboratory (e.g c.1257delT, p.Cys419fs). One in silico tool predicts a damaging outcome for this variant. This variant is absent in 120776 control chromosomes. In addition, multiple clinical diagnostic laboratories/reputable databases classified this variant as pathogenic. Taken together, this variant is classified as pathogenic.

Consortium of Investigators of Modifiers of BRCA1/2 (CIMBA), c/o University of Cambridge
Classification: Pathogenic for Breast-ovarian cancer, familial, susceptibility to, 2. Last evaluated: 2015-10-02. Review status: criteria provided, single submitter. Criteria: CIMBA Mutation Classification guidelines May 2016. Collection method: clinical testing. Allele origin: germline. Not counted in ClinVar's aggregate classification.

PreventionGenetics, part of Exact Sciences
Classification: Pathogenic for BRCA2-related condition. Last evaluated: 2024-05-23. Review status: no assertion criteria provided. Collection method: clinical testing. Allele origin: germline. Not counted in ClinVar's aggregate classification.
Comment: The BRCA2 c.1205delG variant is predicted to result in a frameshift and premature protein termination (p.Gly402Valfs*2). This variant (also known as c.1433delG) has been reported in individuals with a personal or family history of breast and/or ovarian cancer (see for example, Nanda et al. 2005. PubMed ID: 16234499; Lynce et al. 2015. PubMed ID: 26250392; Churpek et al. 2015. PubMed ID: 25428789; eMERGE Consortium. 2019. PubMed ID: 31447099. Table S10). This variant was also identified in 1/10030 patients referred for cancer panel testing (Susswein et al. PubMed ID: 26681312. Table S1). This variant is reported in 0.011% of alleles in individuals of African descent in gnomAD and is interpreted as pathogenic by the vast majority of submitters in ClinVar. Frameshift variants in BRCA2 are expected to be pathogenic. This variant is interpreted as pathogenic.

Research Molecular Genetics Laboratory, Women's College Hospital, University of Toronto
Classification: Pathogenic for Hereditary breast ovarian cancer syndrome. Last evaluated: 2014-01-31. Review status: no assertion criteria provided. Collection method: research. Allele origin: germline. Affected: yes. Study: The Canadian Open Genetics Repository (COGR). Not counted in ClinVar's aggregate classification.

Sharing Clinical Reports Project (SCRP)
Classification: Pathogenic for Breast-ovarian cancer, familial 2. Last evaluated: 2008-03-11. Review status: no assertion criteria provided. Collection method: clinical testing. Allele origin: germline. Not counted in ClinVar's aggregate classification.

Literature cited by the submitters: PubMed 16234499 (cited by 6 submitters); PubMed 25428789 (cited by 5 submitters); PubMed 20104584 (cited by Labcorp Genetics (formerly Invitae), Labcorp); PubMed 26250392 (cited by 3 submitters); PubMed 26681312 (cited by 4 submitters); PubMed 30720243 (cited by Quest Diagnostics Nichols Institute San Juan Capistrano); PubMed 26295337 (cited by Quest Diagnostics Nichols Institute San Juan Capistrano).